The following is an entry in ClinVar:

ClinVar aggregate classification (germline): Uncertain significance (1 of 4 stars; one submission).

Conditions:
Costello syndrome (CSTLO). Also called: FACIOCUTANEOSKELETAL SYNDROME; FCS SYNDROME; HRAS-Related Costello Syndrome. Identifiers: Orphanet 3071, MedGen C0587248, MONDO:0009026, OMIM 218040.

gnomAD v4.1: 1 of 1,613,302 alleles (0.000062%); highest among the groups gnomAD compares: South Asian, 0.0011%; no homozygotes.

Submission:

Labcorp Genetics (formerly Invitae), Labcorp
Classification: Uncertain significance for Costello syndrome. Last evaluated: 2024-10-14. Review status: criteria provided, single submitter. Criteria: Invitae Variant Classification Sherloc (09022015). Collection method: clinical testing. Allele origin: germline.
Comment: This sequence change falls in intron 3 of the HRAS gene. It does not directly change the encoded amino acid sequence of the HRAS protein. It affects a nucleotide within the consensus splice site. This variant is not present in population databases (gnomAD no frequency). This variant has not been reported in the literature in individuals affected with HRAS-related conditions. Variants that disrupt the consensus splice site are a relatively common cause of aberrant splicing (PMID: 17576681, 9536098). Algorithms developed to predict the effect of sequence changes on RNA splicing suggest that this variant is not likely to affect RNA splicing. In summary, the available evidence is currently insufficient to determine the role of this variant in disease. Therefore, it has been classified as a Variant of Uncertain Significance.

Literature cited by the submitters: PubMed 17576681; PubMed 9536098.

NM_005343.4(HRAS):c.290+3G>A

Genes: HRAS (HRas proto-oncogene, GTPase; minus strand), LRRC56 (leucine rich repeat containing 56; plus strand). Cytogenetic location: 11p15.5.
Variant type: single nucleotide variant.
Coding change: c.290+3G>A on transcript NM_005343.4 (MANE Select); 3 bases into the intron after coding-DNA position 290, G replaced by A.
Molecular consequence: intron variant.
Genome position (GRCh38, 1-based): chr11:533,763, C>T on the plus strand (G>A on the coding strand, the complement: HRAS is on the minus strand). VCF-style: chr11-533763-C-T. GRCh37 (hg19) VCF-style: chr11-533763-C-T.
Other names: c.290+3G>A (NM_001130442.3, NM_176795.5); c.-30+3G>A (NM_001318054.2).
Identifiers: ClinVar variation 2733049 (VCV002733049.3), dbSNP rs771562113, ClinGen allele CA2611691251.